The following is an entry in ClinVar:

NM_024675.4(PALB2):c.927A>C (p.Ile309=)

Gene: PALB2 (partner and localizer of BRCA2; minus strand). Cytogenetic location: 16p12.2.
Variant type: single nucleotide variant.
Coding change: c.927A>C on transcript NM_024675.4 (MANE Select); coding-DNA position 927, A replaced by C.
Protein change: p.Ile309=; no amino-acid change (isoleucine 309 retained).
Molecular consequence: synonymous variant.
Genome position (GRCh38, 1-based): chr16:23,635,619, T>G on the plus strand (A>C on the coding strand, the complement: PALB2 is on the minus strand). VCF-style: chr16-23635619-T-G. GRCh37 (hg19) VCF-style: chr16-23646940-T-G.
Identifiers: ClinVar variation 461030 (VCV000461030.15), dbSNP rs1326253995, ClinGen allele CA494461927.

ClinVar aggregate classification (germline): Benign/Likely benign. Review status: criteria provided, multiple submitters, no conflicts (2 of 4 stars). 4 submissions from 4 submitters: Benign (1); Likely benign (3). Last evaluated 2025-04-24.

Conditions:
Hereditary cancer-predisposing syndrome. Also called: Neoplastic Syndromes, Hereditary; Hereditary Cancer Syndrome; Hereditary neoplastic syndrome; Tumor predisposition. Identifiers: Orphanet 140162, MedGen C0027672, MeSH D009386, MONDO:0015356.
Familial cancer of breast. Also called: BREAST CANCER, FAMILIAL; Hereditary breast cancer; hereditary breast carcinoma. Identifiers: Orphanet 227535, MedGen C0346153, MONDO:0016419, OMIM 114480. Disease mechanism: loss of function.

Allele frequency attached by ClinVar (database versions not stated): gnomAD exomes below 0.00001.
gnomAD v4.1: 1 of 1,614,146 alleles (0.000062%); highest among the groups gnomAD compares: Non-Finnish European, 0.000085%; no homozygotes.

Submissions (4):

Labcorp Genetics (formerly Invitae), Labcorp
Classification: Likely benign for Familial cancer of breast. Last evaluated: 2025-04-24. Review status: criteria provided, single submitter. Criteria: Invitae Variant Classification Sherloc (09022015). Collection method: clinical testing. Allele origin: germline.

Myriad Genetics, Inc.
Classification: Benign for Familial cancer of breast. Last evaluated: 2025-01-13. Review status: criteria provided, single submitter. Criteria: Myriad Autosomal Dominant, Autosomal Recessive and X-Linked Classification Criteria (2023). Collection method: clinical testing. Allele origin: unknown.
Comment: This variant is considered benign. This variant is a silent/synonymous amino acid change and it is not expected to impact splicing.

Ambry Genetics
Classification: Likely benign for Hereditary cancer-predisposing syndrome. Last evaluated: 2017-11-20. Review status: criteria provided, single submitter. Criteria: Ambry Variant Classification Scheme 2023. Collection method: clinical testing. Allele origin: germline.

Color Diagnostics, LLC DBA Color Health
Classification: Likely benign for Hereditary cancer-predisposing syndrome. Last evaluated: 2016-11-01. Review status: criteria provided, single submitter. Criteria: ACMG Guidelines, 2015. Collection method: clinical testing. Allele origin: germline.